The following is an entry in ClinVar:

NM_020297.4(ABCC9):c.293A>G (p.Glu98Gly)

Gene: ABCC9 (ATP binding cassette subfamily C member 9; minus strand). Cytogenetic location: 12p12.1.
Variant type: single nucleotide variant.
Coding change: c.293A>G on transcript NM_020297.4 (MANE Select); coding-DNA position 293, A replaced by G.
Protein change: p.Glu98Gly; replaces glutamic acid 98 with glycine.
Molecular consequence: missense variant. On other transcripts: 5 prime UTR variant (1).
Genome position (GRCh38, 1-based): chr12:21,926,055, T>C on the plus strand (A>G on the coding strand, the complement: ABCC9 is on the minus strand). VCF-style: chr12-21926055-T-C. GRCh37 (hg19) VCF-style: chr12-22078989-T-C.
Other names: c.293A>G, p.Glu98Gly (NM_001377273.1, NM_005691.4); c.-162A>G (NM_001377274.1); c.293A>G (NM_005691.2); short protein forms E98G.
Identifiers: ClinVar variation 650889 (VCV000650889.9), dbSNP rs1592251379, ClinGen allele CA384129732.

ClinVar aggregate classification (germline): Uncertain significance. Review status: criteria provided, multiple submitters, no conflicts (2 of 4 stars). 2 submissions from 2 submitters: Uncertain significance (2). Last evaluated 2023-09-20.

Conditions:
Dilated cardiomyopathy 1O (CMD1O). Also called: CARDIOMYOPATHY, DILATED, WITH VENTRICULAR TACHYCARDIA. Identifiers: Orphanet 154, MedGen C1837839, MONDO:0012062, OMIM 608569.
Cardiovascular phenotype. Identifiers: MedGen CN230736.

Allele frequency attached by ClinVar (database versions not stated): TOPMed below 0.00001.

Submissions (2):

Ambry Genetics
Classification: Uncertain significance for Cardiovascular phenotype. Last evaluated: 2023-09-20. Review status: criteria provided, single submitter. Criteria: Ambry Variant Classification Scheme 2023. Collection method: clinical testing. Allele origin: germline.
Comment: The p.E98G variant (also known as c.293A>G), located in coding exon 3 of the ABCC9 gene, results from an A to G substitution at nucleotide position 293. The glutamic acid at codon 98 is replaced by glycine, an amino acid with similar properties. This amino acid position is not well conserved in available vertebrate species. In addition, this alteration is predicted to be tolerated by in silico analysis. Since supporting evidence is limited at this time, the clinical significance of this alteration remains unclear.

Labcorp Genetics (formerly Invitae), Labcorp
Classification: Uncertain significance for Dilated cardiomyopathy 1O. Last evaluated: 2018-09-24. Review status: criteria provided, single submitter. Criteria: Invitae Variant Classification Sherloc (09022015). Collection method: clinical testing. Allele origin: germline.
Comment: In summary, the available evidence is currently insufficient to determine the role of this variant in disease. Therefore, it has been classified as a Variant of Uncertain Significance. Algorithms developed to predict the effect of missense changes on protein structure and function (SIFT, PolyPhen-2, Align-GVGD) all suggest that this variant is likely to be tolerated, but these predictions have not been confirmed by published functional studies and their clinical significance is uncertain. This variant has not been reported in the literature in individuals with ABCC9-related disease. This variant is not present in population databases (ExAC no frequency). This sequence change replaces glutamic acid with glycine at codon 98 of the ABCC9 protein (p.Glu98Gly). The glutamic acid residue is weakly conserved and there is a moderate physicochemical difference between glutamic acid and glycine.